The following is an entry in ClinVar:

NM_001191061.2(SLC25A22):c.493G>A (p.Ala165Thr)

Gene: SLC25A22 (solute carrier family 25 member 22; minus strand). Cytogenetic location: 11p15.5.
Variant type: single nucleotide variant.
Coding change: c.493G>A on transcript NM_001191061.2 (MANE Select); coding-DNA position 493, G replaced by A.
Protein change: p.Ala165Thr; replaces alanine 165 with threonine.
Molecular consequence: missense variant.
Genome position (GRCh38, 1-based): chr11:792,647, C>T on the plus strand (G>A on the coding strand, the complement: SLC25A22 is on the minus strand). VCF-style: chr11-792647-C-T. GRCh37 (hg19) VCF-style: chr11-792647-C-T.
Other names: c.493G>A, p.Ala165Thr (NM_001191060.2, NM_024698.6); short protein forms A165T.
Identifiers: ClinVar variation 844923 (VCV000844923.11), dbSNP rs763227728, ClinGen allele CA5789170.

ClinVar aggregate classification (germline): Uncertain significance. Review status: criteria provided, multiple submitters, no conflicts (2 of 4 stars). 3 submissions from 3 submitters: Uncertain significance (3). Last evaluated 2023-06-26.

Conditions:
Developmental and epileptic encephalopathy. Identifiers: MedGen C5779964, MONDO:0100620.
Inborn genetic diseases. Identifiers: MedGen C0950123, MeSH D030342.

Allele frequency attached by ClinVar (database versions not stated): TOPMed 0.00004; gnomAD 0.00005; ExAC below 0.00001.
gnomAD v4.1: 12 of 1,579,554 alleles (0.00076%); highest among the groups gnomAD compares: African/African-American, 0.013%; no homozygotes.

Submissions (3):

Ambry Genetics
Classification: Uncertain significance for Inborn genetic diseases. Last evaluated: 2023-06-26. Review status: criteria provided, single submitter. Criteria: Ambry Variant Classification Scheme 2023. Collection method: clinical testing. Allele origin: germline.

Labcorp Genetics (formerly Invitae), Labcorp
Classification: Uncertain significance for Early-infantile DEE. Last evaluated: 2021-09-01. Review status: criteria provided, single submitter. Criteria: Invitae Variant Classification Sherloc (09022015). Collection method: clinical testing. Allele origin: germline.
Comment: This sequence change replaces alanine with threonine at codon 165 of the SLC25A22 protein (p.Ala165Thr). The alanine residue is weakly conserved and there is a small physicochemical difference between alanine and threonine. The frequency data for this variant in the population databases is considered unreliable, as metrics indicate poor data quality at this position in the ExAC database. This variant has not been reported in the literature in individuals affected with SLC25A22-related conditions. Algorithms developed to predict the effect of missense changes on protein structure and function output the following: SIFT: "Tolerated"; PolyPhen-2: "Benign"; Align-GVGD: "Class C0". The threonine amino acid residue is found in multiple mammalian species, which suggests that this missense change does not adversely affect protein function. In summary, the available evidence is currently insufficient to determine the role of this variant in disease. Therefore, it has been classified as a Variant of Uncertain Significance.

GeneDx
Classification: Uncertain significance. Last evaluated: 2019-05-02. Review status: criteria provided, single submitter. Criteria: GeneDx Variant Classification Process June 2021. Collection method: clinical testing. Allele origin: germline. Affected: yes.
Comment: In silico analysis, which includes protein predictors and evolutionary conservation, supports that this variant does not alter protein structure/function; Has not been previously published as pathogenic or benign to our knowledge